The following is an entry in ClinVar:

NM_001370.2(DNAH6):c.2179A>G (p.Thr727Ala)

Gene: DNAH6 (dynein axonemal heavy chain 6; plus strand). Cytogenetic location: 2p11.2.
Variant type: single nucleotide variant.
Coding change: c.2179A>G on transcript NM_001370.2 (MANE Select); coding-DNA position 2179, A replaced by G.
Protein change: p.Thr727Ala; replaces threonine 727 with alanine.
Molecular consequence: missense variant.
Genome position (GRCh38, 1-based): chr2:84,579,629, A>G. VCF-style: chr2-84579629-A-G. GRCh37 (hg19) VCF-style: chr2-84806753-A-G.
Other names: short protein forms T727A.
Identifiers: ClinVar variation 3033996 (VCV003033996.2), dbSNP rs140577999, ClinGen allele CA1736895.

ClinVar aggregate classification (germline): Benign (0 of 4 stars; one submission).

Conditions:
DNAH6-related disorder. Also called: DNAH6-related condition.

Allele frequency attached by ClinVar (database versions not stated): 1000 Genomes Project 30x 0.00047; 1000 Genomes Project 0.00060; TOPMed 0.00130; ESP Exome Variant Server 0.00192; ExAC 0.00218; gnomAD 0.00258.
gnomAD v4.1: 3,147 of 1,611,308 alleles (0.2%); highest among the groups gnomAD compares: Non-Finnish European, 0.22%; 24 homozygotes.

Submission:

PreventionGenetics, part of Exact Sciences
Classification: Benign for DNAH6-related condition. Last evaluated: 2019-08-20. Review status: no assertion criteria provided. Collection method: clinical testing. Allele origin: germline.
Comment: This variant is classified as benign based on ACMG/AMP sequence variant interpretation guidelines (Richards et al. 2015 PMID: 25741868, with internal and published modifications).